The following is an entry in ClinVar:

NM_006796.3(AFG3L2):c.52G>C (p.Gly18Arg)

Gene: AFG3L2 (AFG3 like matrix AAA peptidase subunit 2; minus strand). Cytogenetic location: 18p11.21.
Variant type: single nucleotide variant.
Coding change: c.52G>C on transcript NM_006796.3 (MANE Select); coding-DNA position 52, G replaced by C.
Protein change: p.Gly18Arg; replaces glycine 18 with arginine.
Molecular consequence: missense variant.
Genome position (GRCh38, 1-based): chr18:12,377,031, C>G on the plus strand (G>C on the coding strand, the complement: AFG3L2 is on the minus strand). VCF-style: chr18-12377031-C-G. GRCh37 (hg19) VCF-style: chr18-12377030-C-G.
Other names: short protein forms G18R.
Identifiers: ClinVar variation 1309141 (VCV001309141.2), dbSNP rs1342360644, ClinGen allele CA401955566.

ClinVar aggregate classification (germline): Uncertain significance (1 of 4 stars; one submission).

Submission:

GeneDx
Classification: Uncertain significance. Last evaluated: 2019-10-04. Review status: criteria provided, single submitter. Criteria: GeneDx Variant Classification Process June 2021. Collection method: clinical testing. Allele origin: germline. Affected: yes.
Comment: Not observed in large population cohorts (Lek et al., 2016); In silico analysis, which includes protein predictors and evolutionary conservation, supports that this variant does not alter protein structure/function; Has not been previously published as pathogenic or benign to our knowledge